The following is an entry in ClinVar:

ClinVar aggregate classification (germline): Pathogenic. Review status: reviewed by expert panel (3 of 4 stars). 4 submissions from 4 submitters: Pathogenic (1). 3 of the submissions do not count toward it. Last evaluated 2016-09-08.

Conditions:
Breast-ovarian cancer, familial, susceptibility to, 1 (BROVCA1). Also called: OVARIAN CANCER, SUSCEPTIBILITY TO; BRCA1 Hereditary Breast and Ovarian Cancer. Identifiers: Orphanet 145, MedGen C2676676, MONDO:0011450, OMIM 604370. Disease mechanism: loss of function.

Submissions (4):

Evidence-based Network for the Interpretation of Germline Mutant Alleles (ENIGMA)
Classification: Pathogenic for Breast-ovarian cancer, familial, susceptibility to, 1. Last evaluated: 2016-09-08. Review status: reviewed by expert panel. Criteria: ENIGMA BRCA1/2 Classification Criteria (2015). Collection method: curation. Allele origin: germline.
Comment: Variant allele predicted to encode a truncated non-functional protein.

Consortium of Investigators of Modifiers of BRCA1/2 (CIMBA), c/o University of Cambridge
Classification: Pathogenic for Breast-ovarian cancer, familial, susceptibility to, 1. Last evaluated: 2015-10-02. Review status: criteria provided, single submitter. Criteria: CIMBA Mutation Classification guidelines May 2016. Collection method: clinical testing. Allele origin: germline. Not counted in ClinVar's aggregate classification.

Sharing Clinical Reports Project (SCRP)
Classification: Pathogenic for Breast-ovarian cancer, familial 1. Last evaluated: 2009-02-23. Review status: no assertion criteria provided. Collection method: clinical testing. Allele origin: germline. Not counted in ClinVar's aggregate classification.

Breast Cancer Information Core (BIC) (BRCA1)
Classification: Pathogenic for Breast-ovarian cancer, familial 1. Last evaluated: 2004-02-20. Review status: no assertion criteria provided. Collection method: clinical testing. Allele origin: germline. Affected: yes. Observed: 1 variant allele. Not counted in ClinVar's aggregate classification.

NM_007294.4(BRCA1):c.3390del (p.Asp1131fs)

Genes: BRCA1 (BRCA1 DNA repair associated; minus strand), LOC126862571 (BRD4-independent group 4 enhancer GRCh37_chr17:41243136-41244335; plus strand). Cytogenetic location: 17q21.31.
Variant type: Deletion.
Coding change: c.3390del on transcript NM_007294.4 (MANE Select); coding-DNA position 3390, one base deleted (A; older notation c.3390delA).
Protein change: p.Asp1131fs; shifts the reading frame from aspartic acid 1131.
Molecular consequence: frameshift variant. On other transcripts: intron variant (135), splice acceptor variant (2).
Genome position (GRCh38, 1-based): chr17:43,092,141, T deleted on the plus strand (A on the coding strand, the reverse complement: BRCA1 is on the minus strand). VCF-style (leftmost placement, unchanged base first): chr17-43092140-CT-C. GRCh37 (hg19) VCF-style: chr17-41244157-CT-C.
Other names: 3509delA; c.3267del, p.Asp1090fs (NM_001407648.1, NM_001407664.1, NM_001407665.1 and 19 more transcripts); c.3264del, p.Asp1089fs (NM_001407649.1, NM_001407670.1, NM_001407671.1 and 11 more transcripts); c.3390del, p.Asp1131fs (NM_001407652.1, NM_001407684.1, NM_001407854.1 and 30 more transcripts); c.3312del, p.Asp1105fs (NM_001407653.1, NM_001407654.1, NM_001407655.1 and 4 more transcripts); c.3309del, p.Asp1104fs (NM_001407659.1, NM_001407660.1, NM_001407661.1 and 1 more transcripts); c.3249del, p.Asp1084fs (NM_001407692.1, NM_001407694.1, NM_001407695.1 and 29 more transcripts); c.3246del, p.Asp1083fs (NM_001407740.1, NM_001407741.1, NM_001407742.1 and 20 more transcripts); and 42 more; short protein forms D1131fs, D1084fs, D1042fs, D1043fs, D1060fs, D1083fs, D1089fs, D1105fs.
Identifiers: ClinVar variation 54864 (VCV000054864.5), dbSNP rs80357900, ClinGen allele CA002192.